The following is an entry in ClinVar:

NM_012469.4(PRPF6):c.2572A>T (p.Thr858Ser)

Gene: PRPF6 (pre-mRNA processing factor 6; plus strand). Cytogenetic location: 20q13.33.
Variant type: single nucleotide variant.
Coding change: c.2572A>T on transcript NM_012469.4 (MANE Select); coding-DNA position 2572, A replaced by T.
Protein change: p.Thr858Ser; replaces threonine 858 with serine.
Molecular consequence: missense variant.
Genome position (GRCh38, 1-based): chr20:64,031,943, A>T. VCF-style: chr20-64031943-A-T. GRCh37 (hg19) VCF-style: chr20-62663296-A-T.
Other names: c.2572A>T (NM_012469.3); short protein forms T858S.
Identifiers: ClinVar variation 1926373 (VCV001926373.6), dbSNP rs761637945, ClinGen allele CA409745988.

ClinVar aggregate classification (germline): Uncertain significance. Review status: criteria provided, multiple submitters, no conflicts (2 of 4 stars). 2 submissions from 2 submitters: Uncertain significance (2). Last evaluated 2025-05-27.

gnomAD v4.1: 2 of 1,614,054 alleles (0.00012%); no homozygotes.

Submissions (2):

Labcorp Genetics (formerly Invitae), Labcorp
Classification: Uncertain significance. Last evaluated: 2025-05-27. Review status: criteria provided, single submitter. Criteria: Invitae Variant Classification Sherloc (09022015). Collection method: clinical testing. Allele origin: germline.
Comment: This sequence change replaces threonine, which is neutral and polar, with serine, which is neutral and polar, at codon 858 of the PRPF6 protein (p.Thr858Ser). This variant is not present in population databases (gnomAD no frequency). This variant has not been reported in the literature in individuals affected with PRPF6-related conditions. ClinVar contains an entry for this variant (Variation ID: 1926373). Invitae Evidence Modeling of protein sequence and biophysical properties (such as structural, functional, and spatial information, amino acid conservation, physicochemical variation, residue mobility, and thermodynamic stability) indicates that this missense variant is not expected to disrupt PRPF6 protein function with a negative predictive value of 80%. In summary, the available evidence is currently insufficient to determine the role of this variant in disease. Therefore, it has been classified as a Variant of Uncertain Significance.

Ambry Genetics
Classification: Uncertain significance. Last evaluated: 2024-04-20. Review status: criteria provided, single submitter. Criteria: Ambry Variant Classification Scheme 2023. Collection method: clinical testing. Allele origin: germline.